The following is an entry in ClinVar:

ClinVar aggregate classification (germline): Uncertain significance (1 of 4 stars; one submission).

Submission:

Labcorp Genetics (formerly Invitae), Labcorp
Classification: Uncertain significance. Last evaluated: 2023-12-01. Review status: criteria provided, single submitter. Criteria: Invitae Variant Classification Sherloc (09022015). Collection method: clinical testing. Allele origin: germline.
Comment: This sequence change replaces alanine, which is neutral and non-polar, with proline, which is neutral and non-polar, at codon 78 of the MBD4 protein (p.Ala78Pro). This variant is not present in population databases (gnomAD no frequency). This variant has not been reported in the literature in individuals affected with MBD4-related conditions. Algorithms developed to predict the effect of missense changes on protein structure and function output the following: SIFT: "Not Available"; PolyPhen-2: "Probably Damaging"; Align-GVGD: "Not Available". The proline amino acid residue is found in multiple mammalian species, which suggests that this missense change does not adversely affect protein function. In summary, the available evidence is currently insufficient to determine the role of this variant in disease. Therefore, it has been classified as a Variant of Uncertain Significance.

NM_001276270.2(MBD4):c.232G>C (p.Ala78Pro)

Gene: MBD4 (methyl-CpG binding domain 4, DNA glycosylase; minus strand). Cytogenetic location: 3q21.3.
Variant type: single nucleotide variant.
Coding change: c.232G>C on transcript NM_001276270.2 (MANE Select); coding-DNA position 232, G replaced by C.
Protein change: p.Ala78Pro; replaces alanine 78 with proline.
Molecular consequence: missense variant.
Genome position (GRCh38, 1-based): chr3:129,437,823, C>G on the plus strand (G>C on the coding strand, the complement: MBD4 is on the minus strand). VCF-style: chr3-129437823-C-G. GRCh37 (hg19) VCF-style: chr3-129156666-C-G.
Other names: c.232G>C, p.Ala78Pro (NM_001276271.2, NM_001276272.2, NM_001276273.2 and 1 more transcripts); short protein forms A78P.
Identifiers: ClinVar variation 2700037 (VCV002700037.3), dbSNP rs2530727984, ClinGen allele CA354468508.